The following is an entry in ClinVar:

ClinVar aggregate classification (germline): Benign/Likely benign. Review status: criteria provided, multiple submitters, no conflicts (2 of 4 stars). 3 submissions from 3 submitters: Benign (1); Likely benign (2). Last evaluated 2026-07-14.

Conditions:
Rhabdoid tumor predisposition syndrome 2 (RTPS2). Identifiers: Orphanet 231108, Orphanet 69077, MedGen C2750074, MONDO:0013224, OMIM 613325.
Hereditary cancer-predisposing syndrome. Also called: Hereditary Cancer Syndrome; Hereditary neoplastic syndrome; Neoplastic Syndromes, Hereditary; Tumor predisposition. Identifiers: Orphanet 140162, MedGen C0027672, MeSH D009386, MONDO:0015356.

Allele frequency attached by ClinVar (database versions not stated): gnomAD exomes below 0.00001; ExAC 0.00001.
gnomAD v4.1: 3 of 1,613,410 alleles (0.00019%); highest among the groups gnomAD compares: South Asian, 0.0011%; no homozygotes.

Submissions (3):

Myriad Genetics, Inc.
Classification: Benign for Rhabdoid tumor predisposition syndrome 2. Last evaluated: 2026-07-14. Review status: criteria provided, single submitter. Criteria: Myriad Autosomal Dominant, Autosomal Recessive and X-Linked Classification Criteria (2023). Collection method: clinical testing. Allele origin: unknown.
Comment: This variant is considered benign. This variant is a silent/synonymous amino acid change and it is not expected to impact splicing.

Labcorp Genetics (formerly Invitae), Labcorp
Classification: Likely benign for Rhabdoid tumor predisposition syndrome 2. Last evaluated: 2025-03-03. Review status: criteria provided, single submitter. Criteria: Invitae Variant Classification Sherloc (09022015). Collection method: clinical testing. Allele origin: germline.

Ambry Genetics
Classification: Likely benign for Hereditary cancer-predisposing syndrome. Last evaluated: 2015-08-07. Review status: criteria provided, single submitter. Criteria: Ambry Variant Classification Scheme 2023. Collection method: clinical testing. Allele origin: germline.

NM_003072.5(SMARCA4):c.3103C>T (p.Leu1035=)

Gene: SMARCA4 (SWI/SNF related BAF chromatin remodeling complex subunit ATPase 4; plus strand). Cytogenetic location: 19p13.2.
Variant type: single nucleotide variant.
Coding change: c.3103C>T on transcript NM_003072.5 (MANE Select); coding-DNA position 3103, C replaced by T.
Protein change: p.Leu1035=; no amino-acid change (leucine 1035 retained).
Molecular consequence: synonymous variant. On other transcripts: non-coding transcript variant (1).
Genome position (GRCh38, 1-based): chr19:11,025,443, C>T. VCF-style: chr19-11025443-C-T. GRCh37 (hg19) VCF-style: chr19-11136119-C-T.
Other names: c.3103C>T, p.Leu1035= (NM_001128849.3, NM_001374457.1, NM_001387283.1 and 5 more transcripts).
Identifiers: ClinVar variation 470338 (VCV000470338.16), dbSNP rs779514603, ClinGen allele CA9204323.